The following is an entry in ClinVar:

NM_181486.4(TBX5):c.408C>A (p.Tyr136Ter)

Gene: TBX5 (T-box transcription factor 5; minus strand). Cytogenetic location: 12q24.21.
Variant type: single nucleotide variant.
Coding change: c.408C>A on transcript NM_181486.4 (MANE Select); coding-DNA position 408, C replaced by A.
Protein change: p.Tyr136Ter; replaces tyrosine 136 with a stop codon.
Molecular consequence: nonsense.
Genome position (GRCh38, 1-based): chr12:114,398,675, G>T on the plus strand (C>A on the coding strand, the complement: TBX5 is on the minus strand). VCF-style: chr12-114398675-G-T. GRCh37 (hg19) VCF-style: chr12-114836480-G-T.
Other names: c.408C>A, p.Tyr136Ter (NM_000192.3); c.258C>A, p.Tyr86Ter (NM_080717.4); short protein forms Y136*, Y86*.
Identifiers: ClinVar variation 7999 (VCV000007999.3), dbSNP rs104894379, ClinGen allele CA254306.

ClinVar aggregate classification (germline): Pathogenic/Likely pathogenic. Review status: criteria provided, multiple submitters, no conflicts (2 of 4 stars). 3 submissions from 3 submitters: Pathogenic (1); Likely pathogenic (1). 1 of the submissions does not count toward it. Last evaluated 2023-07-03.

Conditions:
TBX5-related disorder. Also called: TBX5-related condition.
Holt-Oram syndrome (HOS). Also called: TBX5-Related Holt-Oram Syndrome; Ventriculo-radial syndrome; Cardiac-limb syndrome; Heart-hand syndrome, type 1. Identifiers: Orphanet 392, MedGen C0265264, MONDO:0007732, OMIM 142900.

Submissions (3):

PreventionGenetics, part of Exact Sciences
Classification: Likely pathogenic for TBX5-related condition. Last evaluated: 2023-07-03. Review status: criteria provided, single submitter. Criteria: ACMG Guidelines, 2015. Collection method: clinical testing. Allele origin: germline.
Comment: The TBX5 c.408C>A variant is predicted to result in premature protein termination (p.Tyr136*). This variant was reported in the heterozygous state in multiple individuals with Holt-Oram syndrome (Gruenauer-Kloevekorn et al 2003. PubMed ID: 12818525; Gruenauer-Kloevekorn et al 2005. PubMed ID: 15823919). This variant has not been reported in a large population database, indicating this variant is rare. Nonsense variants in TBX5 are expected to be pathogenic. This variant is interpreted as likely pathogenic.

Baylor Genetics
Classification: Pathogenic for Holt-Oram syndrome. Last evaluated: 2023-03-13. Review status: criteria provided, single submitter. Criteria: ACMG Guidelines, 2015. Collection method: clinical testing. Allele origin: unknown.

OMIM
Classification: Pathogenic for HOLT-ORAM SYNDROME. Last evaluated: 2003-01-01. Review status: no assertion criteria provided. Collection method: literature only. Allele origin: germline. Not counted in ClinVar's aggregate classification.

Literature cited by the submitters: PubMed 12818525 (cited by OMIM).